The following is an entry in ClinVar:

NM_020207.7(ERCC6L2):c.574C>T (p.Leu192Phe)

Gene: ERCC6L2 (ERCC excision repair 6 like 2; plus strand). Cytogenetic location: 9q22.32.
Variant type: single nucleotide variant.
Coding change: c.574C>T on transcript NM_020207.7 (MANE Select); coding-DNA position 574, C replaced by T.
Protein change: p.Leu192Phe; replaces leucine 192 with phenylalanine.
Molecular consequence: missense variant. On other transcripts: non-coding transcript variant (1).
Genome position (GRCh38, 1-based): chr9:95,897,951, C>T. VCF-style: chr9-95897951-C-T. GRCh37 (hg19) VCF-style: chr9-98660233-C-T.
Other names: c.574C>T, p.Leu192Phe (NM_001010895.4, NM_001375291.1, NM_001375292.1 and 2 more transcripts); short protein forms L192F.
Identifiers: ClinVar variation 4019286 (VCV004019286.1).

ClinVar aggregate classification (germline): Uncertain significance (1 of 4 stars; one submission).

Conditions:
Inborn genetic diseases. Identifiers: MedGen C0950123, MeSH D030342.

gnomAD v4.1: 9 of 1,610,398 alleles (0.00056%); highest among the groups gnomAD compares: Non-Finnish European, 0.00068%; no homozygotes.

Submission:

Ambry Genetics
Classification: Uncertain significance for Inborn genetic diseases. Last evaluated: 2025-04-02. Review status: criteria provided, single submitter. Criteria: Ambry Variant Classification Scheme 2023. Collection method: clinical testing. Allele origin: germline.
Comment: The p.L192F variant (also known as c.574C>T), located in coding exon 3 of the ERCC6L2 gene, results from a C to T substitution at nucleotide position 574. The leucine at codon 192 is replaced by phenylalanine, an amino acid with highly similar properties. This amino acid position is conserved. In addition, this alteration is predicted to be tolerated by in silico analysis. Based on the available evidence, the clinical significance of this variant remains unclear.